The following is an entry in ClinVar:

NM_001385641.1(SAMD11):c.1810T>A (p.Ser604Thr)

Gene: SAMD11 (sterile alpha motif domain containing 11; plus strand). Cytogenetic location: 1p36.33.
Variant type: single nucleotide variant.
Coding change: c.1810T>A on transcript NM_001385641.1 (MANE Select); coding-DNA position 1810, T replaced by A.
Protein change: p.Ser604Thr; replaces serine 604 with threonine.
Molecular consequence: missense variant.
Genome position (GRCh38, 1-based): chr1:942,815, T>A. VCF-style: chr1-942815-T-A. GRCh37 (hg19) VCF-style: chr1-878195-T-A.
Other names: c.1813T>A, p.Ser605Thr (NM_001385640.1); c.1321T>A, p.Ser441Thr (NM_152486.4); short protein forms S605T, S441T, S604T.
Identifiers: ClinVar variation 1935101 (VCV001935101.4), dbSNP rs879334943, ClinGen allele CA16725145.

ClinVar aggregate classification (germline): Uncertain significance. Review status: criteria provided, multiple submitters, no conflicts (2 of 4 stars). 2 submissions from 2 submitters: Uncertain significance (2). Last evaluated 2022-11-01.

Allele frequency attached by ClinVar (database versions not stated): gnomAD 0.00002.
gnomAD v4.1: 101 of 1,547,572 alleles (0.0065%); highest among the groups gnomAD compares: Non-Finnish European, 0.0087%; no homozygotes.

Submissions (2):

Ambry Genetics
Classification: Uncertain significance. Last evaluated: 2022-11-01. Review status: criteria provided, single submitter. Criteria: Ambry Variant Classification Scheme 2023. Collection method: clinical testing. Allele origin: germline.

Labcorp Genetics (formerly Invitae), Labcorp
Classification: Uncertain significance. Last evaluated: 2022-02-28. Review status: criteria provided, single submitter. Criteria: Invitae Variant Classification Sherloc (09022015). Collection method: clinical testing. Allele origin: germline.
Comment: In summary, the available evidence is currently insufficient to determine the role of this variant in disease. Therefore, it has been classified as a Variant of Uncertain Significance. Algorithms developed to predict the effect of missense changes on protein structure and function (SIFT, PolyPhen-2, Align-GVGD) all suggest that this variant is likely to be tolerated. This variant has not been reported in the literature in individuals affected with SAMD11-related conditions. This variant is present in population databases (no rsID available, gnomAD 0.006%). This sequence change replaces serine, which is neutral and polar, with threonine, which is neutral and polar, at codon 441 of the SAMD11 protein (p.Ser441Thr).